The following is an entry in ClinVar:

ClinVar aggregate classification (germline): Uncertain significance. Review status: criteria provided, single submitter (1 of 4 stars). 2 submissions from 2 submitters: Uncertain significance (1). 1 of the submissions does not count toward it. Last evaluated 2025-01-16.

Conditions:
Fanconi anemia (FA). Also called: Fanconi's anemia. Identifiers: Orphanet 84, MedGen C0015625, MeSH D005199, MONDO:0019391.
Inborn genetic diseases. Identifiers: MedGen C0950123, MeSH D030342.

gnomAD v4.1: 1 of 1,613,780 alleles (0.000062%); highest among the groups gnomAD compares: South Asian, 0.0011%; no homozygotes.

Submissions (2):

Ambry Genetics
Classification: Uncertain significance for Inborn genetic diseases. Last evaluated: 2025-01-16. Review status: criteria provided, single submitter. Criteria: Ambry Variant Classification Scheme 2023. Collection method: clinical testing. Allele origin: germline.
Comment: The p.L156W variant (also known as c.467T>G), located in coding exon 5 of the FANCA gene, results from a T to G substitution at nucleotide position 467. The leucine at codon 156 is replaced by tryptophan, an amino acid with similar properties. This amino acid position is conserved. In addition, the in silico prediction for this alteration is inconclusive. Based on the available evidence, the clinical significance of this variant remains unclear.

Natera, Inc.
Classification: Uncertain significance for Fanconi anemia. Last evaluated: 2025-01-27. Review status: no assertion criteria provided. Collection method: clinical testing. Allele origin: germline. Not counted in ClinVar's aggregate classification.

NM_000135.4(FANCA):c.467T>G (p.Leu156Trp)

Gene: FANCA (FA complementation group A; minus strand). Cytogenetic location: 16q24.3.
Variant type: single nucleotide variant.
Coding change: c.467T>G on transcript NM_000135.4 (MANE Select); coding-DNA position 467, T replaced by G.
Protein change: p.Leu156Trp; replaces leucine 156 with tryptophan.
Molecular consequence: missense variant. On other transcripts: intron variant (1).
Genome position (GRCh38, 1-based): chr16:89,810,762, A>C on the plus strand (T>G on the coding strand, the complement: FANCA is on the minus strand). VCF-style: chr16-89810762-A-C. GRCh37 (hg19) VCF-style: chr16-89877170-A-C.
Other names: c.467T>G, p.Leu156Trp (NM_001018112.3, NM_001286167.3); c.426+167T>G (NM_001351830.2); c.467T>G (NM_000135.3); short protein forms L156W.
Identifiers: ClinVar variation 3848116 (VCV003848116.2).